The following is an entry in ClinVar:

ClinVar aggregate classification (germline): Uncertain significance. Review status: criteria provided, multiple submitters, no conflicts (2 of 4 stars). 2 submissions from 2 submitters: Uncertain significance (2). Last evaluated 2023-09-13.

Submissions (2):

Labcorp Genetics (formerly Invitae), Labcorp
Classification: Uncertain significance. Last evaluated: 2023-09-13. Review status: criteria provided, single submitter. Criteria: Invitae Variant Classification Sherloc (09022015). Collection method: clinical testing. Allele origin: germline.
Comment: This sequence change replaces isoleucine, which is neutral and non-polar, with threonine, which is neutral and polar, at codon 1857 of the KAT6A protein (p.Ile1857Thr). This variant is not present in population databases (gnomAD no frequency). This variant has not been reported in the literature in individuals affected with KAT6A-related conditions. ClinVar contains an entry for this variant (Variation ID: 2135543). Experimental studies and prediction algorithms are not available or were not evaluated, and the functional significance of this variant is currently unknown. In summary, the available evidence is currently insufficient to determine the role of this variant in disease. Therefore, it has been classified as a Variant of Uncertain Significance.

GeneDx
Classification: Uncertain significance. Last evaluated: 2023-04-28. Review status: criteria provided, single submitter. Criteria: GeneDx Variant Classification Process June 2021. Collection method: clinical testing. Allele origin: germline. Affected: yes.
Comment: Not observed at significant frequency in large population cohorts (gnomAD); In silico analysis supports that this missense variant does not alter protein structure/function; Has not been previously published as pathogenic or benign to our knowledge

NM_006766.5(KAT6A):c.5570T>C (p.Ile1857Thr)

Gene: KAT6A (lysine acetyltransferase 6A; minus strand). Cytogenetic location: 8p11.21.
Variant type: single nucleotide variant.
Coding change: c.5570T>C on transcript NM_006766.5 (MANE Select); coding-DNA position 5570, T replaced by C.
Protein change: p.Ile1857Thr; replaces isoleucine 1857 with threonine.
Molecular consequence: missense variant.
Genome position (GRCh38, 1-based): chr8:41,932,650, A>G on the plus strand (T>C on the coding strand, the complement: KAT6A is on the minus strand). VCF-style: chr8-41932650-A-G. GRCh37 (hg19) VCF-style: chr8-41790168-A-G.
Other names: c.5570T>C (NM_006766.3); short protein forms I1857T.
Identifiers: ClinVar variation 2135543 (VCV002135543.5), dbSNP rs2486751330, ClinGen allele CA371061690.